The following is an entry in ClinVar:

NM_001252024.2(TRPM1):c.1285C>A (p.Pro429Thr)

Gene: TRPM1 (transient receptor potential cation channel subfamily M member 1; minus strand). Cytogenetic location: 15q13.3.
Variant type: single nucleotide variant.
Coding change: c.1285C>A on transcript NM_001252024.2 (MANE Select); coding-DNA position 1285, C replaced by A.
Protein change: p.Pro429Thr; replaces proline 429 with threonine.
Molecular consequence: missense variant.
Genome position (GRCh38, 1-based): chr15:31,050,561, G>T on the plus strand (C>A on the coding strand, the complement: TRPM1 is on the minus strand). VCF-style: chr15-31050561-G-T. GRCh37 (hg19) VCF-style: chr15-31342764-G-T.
Other names: c.1336C>A (NM_001252020.1); c.1336C>A, p.Pro446Thr (NM_001252020.2); c.1219C>A, p.Pro407Thr (NM_002420.6); short protein forms P407T, P446T, P429T.
Identifiers: ClinVar variation 315529 (VCV000315529.18), dbSNP rs374376006, ClinGen allele CA7452606.
Genomic context (GRCh38, chr15:31,050,561, plus strand): 5'-CTCCCTTGGTGGTGGCCATGGGTGGCTTCTTCTCCTTCTCCGTGGCTTTGCTGTCCGTCG[G>T]GGGTGCCAGGCTTCCCAGGGGCTGCAGTCCACAGCAATCAGAGTTGGGAAATGGTACTAA-3'
Protein context (NP_001238953.1, residues 419-439): HWPPLGSLAP[Pro429Thr]TDSKATEKEK

ClinVar aggregate classification (germline): Benign/Likely benign. Review status: criteria provided, multiple submitters, no conflicts (2 of 4 stars). 5 submissions from 5 submitters: Benign (1); Likely benign (1). 3 of the submissions do not count toward it. Last evaluated 2025-11-12.

Conditions:
TRPM1-related disorder. Also called: TRPM1-related condition.
Congenital stationary night blindness 1C. Also called: Night blindness, congenital stationary (complete), 1C, autosomal recessive. Identifiers: Orphanet 215, MedGen C2750747, MONDO:0013183, OMIM 613216.

Allele frequency attached by ClinVar (database versions not stated): gnomAD 0.00004 and 0.00033; TOPMed 0.00009; ESP Exome Variant Server 0.00016; gnomAD exomes 0.00053 and 0.00103; 1000 Genomes Project 0.00080; ExAC 0.00101; 1000 Genomes Project 30x 0.00109.
gnomAD v4.1: 815 of 1,614,054 alleles (0.05%); highest among the groups gnomAD compares: South Asian, 0.8%; 11 homozygotes.

Submissions (5):

Labcorp Genetics (formerly Invitae), Labcorp
Classification: Benign. Last evaluated: 2025-11-12. Review status: criteria provided, single submitter. Criteria: Invitae Variant Classification Sherloc (09022015). Collection method: clinical testing. Allele origin: germline.

Illumina Laboratory Services, Illumina
Classification: Likely benign for Congenital stationary night blindness 1C. Last evaluated: 2018-01-12. Review status: criteria provided, single submitter. Criteria: ICSL Variant Classification Criteria 13 December 2019. Collection method: clinical testing. Allele origin: germline.
Comment: This variant was observed in the ICSL laboratory as part of a predisposition screen in an ostensibly healthy population. It had not been previously curated by ICSL or reported in the Human Gene Mutation Database (HGMD: prior to June 1st, 2018), and was therefore a candidate for classification through an automated scoring system. Utilizing variant allele frequency, disease prevalence and penetrance estimates, and inheritance mode, an automated score was calculated to assess if this variant is too frequent to cause the disease. Based on the score and internal cut-off values, a variant classified as likely benign is not then subjected to further curation. The score for this variant resulted in a classification of likely benign for this disease.

PreventionGenetics, part of Exact Sciences
Classification: Likely benign for TRPM1-related condition. Last evaluated: 2020-02-19. Review status: no assertion criteria provided. Collection method: clinical testing. Allele origin: germline. Not counted in ClinVar's aggregate classification.
Comment: This variant is classified as likely benign based on ACMG/AMP sequence variant interpretation guidelines (Richards et al. 2015 PMID: 25741868, with internal and published modifications).

Clinical Genetics DNA and cytogenetics Diagnostics Lab, Erasmus MC, Erasmus Medical Center
Classification: Uncertain significance. Review status: no assertion criteria provided. Collection method: clinical testing. Allele origin: germline. Affected: yes. Study: VKGL Data-share Consensus. Not counted in ClinVar's aggregate classification.

Clinical Genetics, Academic Medical Center
Classification: Uncertain significance. Review status: no assertion criteria provided. Collection method: clinical testing. Allele origin: germline. Affected: yes. Study: VKGL Data-share Consensus. Not counted in ClinVar's aggregate classification.